The following is an entry in ClinVar:

NM_005591.4(MRE11):c.70G>A (p.Gly24Arg)

Gene: MRE11 (MRE11 double strand break repair nuclease; minus strand). Cytogenetic location: 11q21.
Variant type: single nucleotide variant.
Coding change: c.70G>A on transcript NM_005591.4 (MANE Select); coding-DNA position 70, G replaced by A.
Protein change: p.Gly24Arg; replaces glycine 24 with arginine.
Molecular consequence: missense variant.
Genome position (GRCh38, 1-based): chr11:94,490,916, C>T on the plus strand (G>A on the coding strand, the complement: MRE11 is on the minus strand). VCF-style: chr11-94490916-C-T. GRCh37 (hg19) VCF-style: chr11-94224082-C-T.
Other names: c.70G>A, p.Gly24Arg (NM_001330347.2, NM_005590.4); short protein forms G24R.
Identifiers: ClinVar variation 1799854 (VCV001799854.2), dbSNP rs2496653443, ClinGen allele CA382380927.

ClinVar aggregate classification (germline): Uncertain significance (1 of 4 stars; one submission).

Conditions:
Hereditary cancer-predisposing syndrome. Also called: Neoplastic Syndromes, Hereditary; Tumor predisposition; Hereditary Cancer Syndrome; Hereditary neoplastic syndrome. Identifiers: Orphanet 140162, MedGen C0027672, MeSH D009386, MONDO:0015356.

Submission:

Ambry Genetics
Classification: Uncertain significance for Hereditary cancer-predisposing syndrome. Last evaluated: 2021-09-20. Review status: criteria provided, single submitter. Criteria: Ambry Variant Classification Scheme 2023. Collection method: clinical testing. Allele origin: germline.
Comment: The p.G24R variant (also known as c.70G>A), located in coding exon 2 of the MRE11A gene, results from a G to A substitution at nucleotide position 70. The glycine at codon 24 is replaced by arginine, an amino acid with dissimilar properties. This amino acid position is conserved. In addition, this alteration is predicted to be deleterious by in silico analysis. Since supporting evidence is limited at this time, the clinical significance of this alteration remains unclear.